The following is an entry in ClinVar:

NM_002095.6(GTF2E2):c.140G>C (p.Gly47Ala)

Gene: GTF2E2 (general transcription factor IIE subunit 2; minus strand). Cytogenetic location: 8p12.
Variant type: single nucleotide variant.
Coding change: c.140G>C on transcript NM_002095.6 (MANE Select); coding-DNA position 140, G replaced by C.
Protein change: p.Gly47Ala; replaces glycine 47 with alanine.
Molecular consequence: missense variant.
Genome position (GRCh38, 1-based): chr8:30,653,459, C>G on the plus strand (G>C on the coding strand, the complement: GTF2E2 is on the minus strand). VCF-style: chr8-30653459-C-G. GRCh37 (hg19) VCF-style: chr8-30510976-C-G.
Other names: c.140G>C, p.Gly47Ala (NM_001348353.1); c.140G>C (NM_002095.4); short protein forms G47A.
Identifiers: ClinVar variation 1921234 (VCV001921234.4), dbSNP rs139563701, ClinGen allele CA4701094.

ClinVar aggregate classification (germline): Uncertain significance. Review status: criteria provided, multiple submitters, no conflicts (2 of 4 stars). 2 submissions from 2 submitters: Uncertain significance (2). Last evaluated 2024-01-23.

Conditions:
Inborn genetic diseases. Identifiers: MedGen C0950123, MeSH D030342.

Allele frequency attached by ClinVar (database versions not stated): gnomAD exomes 0.00001; ExAC 0.00003; gnomAD 0.00011; TOPMed 0.00013; ESP Exome Variant Server 0.00023.
gnomAD v4.1: 31 of 1,613,356 alleles (0.0019%); highest among the groups gnomAD compares: African/African-American, 0.037%; no homozygotes.

Submissions (2):

Ambry Genetics
Classification: Uncertain significance for Inborn genetic diseases. Last evaluated: 2024-01-23. Review status: criteria provided, single submitter. Criteria: Ambry Variant Classification Scheme 2023. Collection method: clinical testing. Allele origin: germline.

Labcorp Genetics (formerly Invitae), Labcorp
Classification: Uncertain significance. Last evaluated: 2023-12-02. Review status: criteria provided, single submitter. Criteria: Invitae Variant Classification Sherloc (09022015). Collection method: clinical testing. Allele origin: germline.
Comment: This sequence change replaces glycine, which is neutral and non-polar, with alanine, which is neutral and non-polar, at codon 47 of the GTF2E2 protein (p.Gly47Ala). This variant is present in population databases (rs139563701, gnomAD 0.03%). This variant has not been reported in the literature in individuals affected with GTF2E2-related conditions. ClinVar contains an entry for this variant (Variation ID: 1921234). Advanced modeling of protein sequence and biophysical properties (such as structural, functional, and spatial information, amino acid conservation, physicochemical variation, residue mobility, and thermodynamic stability) performed at Invitae indicates that this missense variant is not expected to disrupt GTF2E2 protein function with a negative predictive value of 80%. In summary, the available evidence is currently insufficient to determine the role of this variant in disease. Therefore, it has been classified as a Variant of Uncertain Significance.